The following is an entry in ClinVar:

ClinVar aggregate classification (germline): Uncertain significance (1 of 4 stars; one submission).

Conditions:
Growth hormone insensitivity with immune dysregulation 1, autosomal recessive. Also called: GROWTH HORMONE INSENSITIVITY DUE TO POSTRECEPTOR DEFECT; LARON SYNDROME DUE TO POSTRECEPTOR DEFECT; GROWTH HORMONE INSENSITIVITY SYNDROME WITH IMMUNE DYSREGULATION 1, AUTOSOMAL RECESSIVE; Laron syndrome with immunodeficiency. Identifiers: Orphanet 220465, MedGen C5435698, MONDO:0100211, OMIM 245590.

Submission:

Labcorp Genetics (formerly Invitae), Labcorp
Classification: Uncertain significance for Growth hormone insensitivity with immune dysregulation 1, autosomal recessive. Last evaluated: 2024-02-02. Review status: criteria provided, single submitter. Criteria: Invitae Variant Classification Sherloc (09022015). Collection method: clinical testing. Allele origin: germline.
Comment: This sequence change replaces aspartic acid, which is acidic and polar, with valine, which is neutral and non-polar, at codon 47 of the STAT5B protein (p.Asp47Val). This variant is present in population databases (rs750113759, gnomAD 0.0009%). This variant has not been reported in the literature in individuals affected with STAT5B-related conditions. Advanced modeling of protein sequence and biophysical properties (such as structural, functional, and spatial information, amino acid conservation, physicochemical variation, residue mobility, and thermodynamic stability) performed at Invitae indicates that this missense variant is not expected to disrupt STAT5B protein function with a negative predictive value of 80%. In summary, the available evidence is currently insufficient to determine the role of this variant in disease. Therefore, it has been classified as a Variant of Uncertain Significance.

NM_012448.4(STAT5B):c.140A>T (p.Asp47Val)

Gene: STAT5B (signal transducer and activator of transcription 5B; minus strand). Cytogenetic location: 17q21.2.
Variant type: single nucleotide variant.
Coding change: c.140A>T on transcript NM_012448.4 (MANE Select); coding-DNA position 140, A replaced by T.
Protein change: p.Asp47Val; replaces aspartic acid 47 with valine.
Molecular consequence: missense variant.
Genome position (GRCh38, 1-based): chr17:42,227,674, T>A on the plus strand (A>T on the coding strand, the complement: STAT5B is on the minus strand). VCF-style: chr17-42227674-T-A. GRCh37 (hg19) VCF-style: chr17-40379692-T-A.
Other names: short protein forms D47V.
Identifiers: ClinVar variation 3689790 (VCV003689790.2).